The following is an entry in ClinVar:

NM_001615.4(ACTG2):c.400T>A (p.Tyr134Asn)

Gene: ACTG2 (actin gamma 2, smooth muscle; plus strand). Cytogenetic location: 2p13.1.
Variant type: single nucleotide variant.
Coding change: c.400T>A on transcript NM_001615.4 (MANE Select); coding-DNA position 400, T replaced by A.
Protein change: p.Tyr134Asn; replaces tyrosine 134 with asparagine.
Molecular consequence: missense variant.
Genome position (GRCh38, 1-based): chr2:73,909,088, T>A. VCF-style: chr2-73909088-T-A. GRCh37 (hg19) VCF-style: chr2-74136215-T-A.
Other names: c.271T>A, p.Tyr91Asn (NM_001199893.2); short protein forms Y134N, Y91N.
Identifiers: ClinVar variation 132805 (VCV000132805.7), dbSNP rs587777388, ClinGen allele CA332121.

ClinVar aggregate classification (germline): Pathogenic/Likely pathogenic. Review status: criteria provided, multiple submitters, no conflicts (2 of 4 stars). 3 submissions from 3 submitters: Pathogenic (1); Likely pathogenic (1). 1 of the submissions does not count toward it. Last evaluated 2022-09-08.

Conditions:
Megacystis-microcolon-intestinal hypoperistalsis syndrome 5. Identifiers: MedGen C5543636, MONDO:0030329, OMIM 619431.
Visceral myopathy 1 (VSCM1). Also called: Visceral myopathy; Infantile visceral myopathy; ACTG2 Visceral Myopathy. Identifiers: Orphanet 2604, MedGen C5542197, MONDO:0020754, OMIM 155310.

Submissions (3):

New York Genome Center
Classification: Likely pathogenic for Megacystis-microcolon-intestinal hypoperistalsis syndrome 5. Last evaluated: 2022-09-08. Review status: criteria provided, single submitter. Criteria: NYGC Assertion Criteria 2020. Collection method: clinical testing. Allele origin: inherited. Affected: yes. Observed: 1 heterozygote. Study: PrenatalSEQ.
Comment: The inherited c.400T>A variant has previously been reported as de novo in an individual with prune belly syndrome, MMIHS, and megacystis [PMID:24676022]. The c.400T>A variant is absent in population databases (gnomAD v2.1.1 and v3.1.2, TOPMed Freeze 8, All of US), suggesting it is not a common benign variant in the populations represented in those databases. The c.400T>A variant is located in exon 5 of this 9-exon gene. In silico predictions are in favor of damaging effect for p.(Tyr134Asn) [(CADD v1.6 = 28.6, REVEL = 0.978)]; however, there are no functional studies to support or refute these predictions. The variant is reported in ClinVar [ClinVar ID:132805] as pathogenic in association with Visceral myopathy. Based on available evidence, this inherited c.400T>A, p.Tyr134Asn variant identified in ACTG2 is classified as Likely Pathogenic.

Lupski Lab, Baylor-Hopkins CMG, Baylor College of Medicine
Classification: Pathogenic for Visceral myopathy 1. Last evaluated: 2014-03-27. Review status: criteria provided, single submitter. Criteria: Wangler et al. PLoS Gen 2014. Collection method: research. Allele origin: de novo. Inheritance: Autosomal dominant inheritance. Affected: yes. Observed: 1 heterozygote. Study: MMIHS_WES. Segregation with disease not observed.

OMIM
Classification: Pathogenic for MEGACYSTIS-MICROCOLON-INTESTINAL HYPOPERISTALSIS SYNDROME 5. Last evaluated: 2014-03-01. Review status: no assertion criteria provided. Collection method: literature only. Allele origin: germline. Not counted in ClinVar's aggregate classification.

Literature cited by the submitters: PubMed 24676022 (cited by New York Genome Center and OMIM).